The following is an entry in ClinVar:

NM_170606.3(KMT2C):c.856G>A (p.Ala286Thr)

Gene: KMT2C (lysine methyltransferase 2C; minus strand). Cytogenetic location: 7q36.1.
Variant type: single nucleotide variant.
Coding change: c.856G>A on transcript NM_170606.3 (MANE Select); coding-DNA position 856, G replaced by A.
Protein change: p.Ala286Thr; replaces alanine 286 with threonine.
Molecular consequence: missense variant.
Genome position (GRCh38, 1-based): chr7:152,273,861, C>T on the plus strand (G>A on the coding strand, the complement: KMT2C is on the minus strand). VCF-style: chr7-152273861-C-T. GRCh37 (hg19) VCF-style: chr7-151970946-C-T.
Other names: short protein forms A286T.
Identifiers: ClinVar variation 3252206 (VCV003252206.3), dbSNP rs748471625.

ClinVar aggregate classification (germline): Uncertain significance. Review status: criteria provided, multiple submitters, no conflicts (2 of 4 stars). 3 submissions from 3 submitters: Uncertain significance (3). Last evaluated 2026-04-28.

Conditions:
Inborn genetic diseases. Identifiers: MedGen C0950123, MeSH D030342.

Allele frequency attached by ClinVar (database versions not stated): TOPMed below 0.00001; ExAC 0.00001; gnomAD 0.00001; gnomAD exomes 0.00001.
gnomAD v4.1: 16 of 1,613,046 alleles (0.00099%); highest among the groups gnomAD compares: Non-Finnish European, 0.0014%; no homozygotes.

Submissions (3):

Women's Health and Genetics/Laboratory Corporation of America, LabCorp
Classification: Uncertain significance. Last evaluated: 2026-04-28. Review status: criteria provided, single submitter. Criteria: LabCorp Variant Classification Summary - May 2015. Collection method: clinical testing. Allele origin: germline.
Comment: Variant summary: KMT2C c.856G>A (p.Ala286Thr) results in a non-conservative amino acid change in the encoded protein sequence. Algorithms developed to predict the effect of missense changes on protein structure and function are either unavailable or do not agree on the potential impact of this missense change. The frequency data for this variant in gnomAD is considered unreliable, as metrics indicate poor data quality at this position. To our knowledge, no occurrence of c.856G>A in individuals affected with KMT2C-related conditions and no experimental evidence demonstrating its impact on protein function have been reported. ClinVar contains an entry for this variant (Variation ID: 3252206). Based on the evidence outlined above, the variant was classified as uncertain significance.

Ambry Genetics
Classification: Uncertain significance for Inborn genetic diseases. Last evaluated: 2025-05-01. Review status: criteria provided, single submitter. Criteria: Ambry Variant Classification Scheme 2023. Collection method: clinical testing. Allele origin: germline.

GeneDx
Classification: Uncertain significance. Last evaluated: 2023-06-13. Review status: criteria provided, single submitter. Criteria: GeneDx Variant Classification Process June 2021. Collection method: clinical testing. Allele origin: germline. Affected: yes.
Comment: In silico analysis supports that this missense variant does not alter protein structure/function; Has not been previously published as pathogenic or benign to our knowledge